The following is an entry in ClinVar:

ClinVar aggregate classification (germline): Likely pathogenic (1 of 4 stars; one submission).

Conditions:
Alstrom syndrome (ALMS). Identifiers: Orphanet 64, MedGen C0268425, MONDO:0008763, OMIM 203800.

Submission:

Natera, Inc.
Classification: Likely pathogenic for Alstrom syndrome. Last evaluated: 2025-04-18. Review status: criteria provided, single submitter. Criteria: Natera Variant Classification Schema (03/2026). Collection method: clinical testing. Allele origin: germline.
Comment: The c.7057G>T variant in ALMS1 is a nonsense variant predicted to introduce a stop codon at amino acid 2353. This variant is expected to result in nonsense mediated decay, truncation, or a dysfunctional protein product. This variant is rare in the general population with a frequency below the threshold expected for the associated phenotype(s). Given the available evidence, this variant is classified as Likely Pathogenic.

NM_001378454.1(ALMS1):c.7054G>T (p.Glu2352Ter)

Gene: ALMS1 (ALMS1 centrosome and basal body associated protein; plus strand). Cytogenetic location: 2p13.1.
Variant type: single nucleotide variant.
Coding change: c.7054G>T on transcript NM_001378454.1 (MANE Select); coding-DNA position 7054, G replaced by T.
Protein change: p.Glu2352Ter; replaces glutamic acid 2352 with a stop codon.
Molecular consequence: nonsense.
Genome position (GRCh38, 1-based): chr2:73,453,581, G>T. VCF-style: chr2-73453581-G-T. GRCh37 (hg19) VCF-style: chr2-73680708-G-T.
Other names: c.7057G>T, p.Glu2353Ter (NM_015120.4); short protein forms E2352*, E2353*.
Identifiers: ClinVar variation 4058202 (VCV004058202.2).